The following is an entry in ClinVar:

ClinVar aggregate classification (germline): Likely pathogenic (1 of 4 stars; one submission).

Conditions:
Cardiovascular phenotype. Identifiers: MedGen CN230736.

Submission:

Ambry Genetics
Classification: Likely pathogenic for Cardiovascular phenotype. Last evaluated: 2025-07-08. Review status: criteria provided, single submitter. Criteria: Ambry Variant Classification Scheme 2023. Collection method: clinical testing. Allele origin: germline.
Comment: The c.65070_65075delCCTTGAinsAT variant, located in coding exon 166 of the TTN gene, results from the deletion of 6 nucleotides and insertion of two nucleotides causing a translational frameshift with a predicted alternate stop codon (p.L21691*). This exon is located in the A-band region of the N2-B isoform of the titin protein and is constitutively expressed in TTN transcripts (percent spliced in or PSI 100%). This variant is considered to be rare based on population cohorts in the Genome Aggregation Database (gnomAD). This variant is expected to result in loss of function by premature protein truncation or nonsense-mediated mRNA decay. While truncating variants in TTN are present in 1-3% of the general population, truncating variants in the A-band are the most common cause of dilated cardiomyopathy (Herman DS et al. N. Engl. J. Med., 2012 Feb;366:619-28; Roberts AM et al. Sci Transl Med, 2015 Jan;7:270ra6). TTN truncating variants encoded in constitutive exons (PSI >90%) have been found to be significantly associated with DCM regardless of their position in titin (Schafer S et al. Nat. Genet., 2017 01;49:46-53; Akhtar MM et al. Circ Heart Fail, 2020 Oct;13:e006832; Massier M et al. Clin Genet, 2025 Jan). Based on the majority of available evidence to date, this variant is likely to be pathogenic.

NM_001267550.2(TTN):c.92265_92270delinsAT (p.Ile30755_Leu30756insTer)

Genes: TTN (titin; minus strand), TTN-AS1 (TTN antisense RNA 1; plus strand). Cytogenetic location: 2q31.2.
Variant type: Indel.
Coding change: c.92265_92270delinsAT on transcript NM_001267550.2 (MANE Select); coding-DNA positions 92265 to 92270, CCTTGA replaced by AT.
Protein change: p.Ile30755_Leu30756insTer.
Molecular consequence: frameshift variant.
Genome position (GRCh38, 1-based): chr2:178,549,356-178,549,361, TCAAGG replaced by AT on the plus strand (CCTTGA replaced by AT on the coding strand, the reverse complement: TTN is on the minus strand). VCF-style: chr2-178549356-TCAAGG-AT. GRCh37 (hg19) VCF-style: chr2-179414083-TCAAGG-AT.
Other names: c.87342_87347delinsAT, p.Ile29114_Leu29115insTer (NM_001256850.1); c.65070_65075delinsAT, p.Ile21690_Leu21691insTer (NM_003319.4); c.84561_84566delinsAT, p.Ile28187_Leu28188insTer (NM_133378.4); c.65445_65450delinsAT, p.Ile21815_Leu21816insTer (NM_133432.3); c.65646_65651delinsAT, p.Ile21882_Leu21883insTer (NM_133437.4); c.65070_65075delCCTTGAinsAT (NM_003319.4).
Identifiers: ClinVar variation 4193702 (VCV004193702.1).